The following is an entry in ClinVar:

ClinVar aggregate classification (germline): Uncertain significance (1 of 4 stars; one submission).

Allele frequency attached by ClinVar (database versions not stated): TOPMed below 0.00001; gnomAD 0.00001; gnomAD exomes 0.00001.
gnomAD v4.1: 14 of 1,540,760 alleles (0.00091%); highest among the groups gnomAD compares: Non-Finnish European, 0.001%; no homozygotes.

Submission:

Labcorp Genetics (formerly Invitae), Labcorp
Classification: Uncertain significance. Last evaluated: 2023-12-05. Review status: criteria provided, single submitter. Criteria: Invitae Variant Classification Sherloc (09022015). Collection method: clinical testing. Allele origin: germline.
Comment: This sequence change replaces proline, which is neutral and non-polar, with serine, which is neutral and polar, at codon 387 of the BCL11B protein (p.Pro387Ser). This variant is not present in population databases (gnomAD no frequency). This variant has not been reported in the literature in individuals affected with BCL11B-related conditions. ClinVar contains an entry for this variant (Variation ID: 1497684). Advanced modeling of protein sequence and biophysical properties (such as structural, functional, and spatial information, amino acid conservation, physicochemical variation, residue mobility, and thermodynamic stability) performed at Invitae indicates that this missense variant is not expected to disrupt BCL11B protein function with a negative predictive value of 80%. In summary, the available evidence is currently insufficient to determine the role of this variant in disease. Therefore, it has been classified as a Variant of Uncertain Significance.

NM_138576.4(BCL11B):c.1159C>T (p.Pro387Ser)

Gene: BCL11B (BCL11 transcription factor B; minus strand). Cytogenetic location: 14q32.2.
Variant type: single nucleotide variant.
Coding change: c.1159C>T on transcript NM_138576.4 (MANE Select); coding-DNA position 1159, C replaced by T.
Protein change: p.Pro387Ser; replaces proline 387 with serine.
Molecular consequence: missense variant.
Genome position (GRCh38, 1-based): chr14:99,175,677, G>A on the plus strand (C>T on the coding strand, the complement: BCL11B is on the minus strand). VCF-style: chr14-99175677-G-A. GRCh37 (hg19) VCF-style: chr14-99642014-G-A.
Other names: c.1156C>T, p.Pro386Ser (NM_001282237.2); c.943C>T, p.Pro315Ser (NM_001282238.2); c.946C>T, p.Pro316Ser (NM_022898.3); short protein forms P315S, P316S, P386S, P387S.
Identifiers: ClinVar variation 1497684 (VCV001497684.6), dbSNP rs983772447, ClinGen allele CA266106037.